The following is an entry in ClinVar:

NM_019892.6(INPP5E):c.211G>A (p.Ala71Thr)

Gene: INPP5E (inositol polyphosphate-5-phosphatase E; minus strand). Cytogenetic location: 9q34.3.
Variant type: single nucleotide variant.
Coding change: c.211G>A on transcript NM_019892.6 (MANE Select); coding-DNA position 211, G replaced by A.
Protein change: p.Ala71Thr; replaces alanine 71 with threonine.
Molecular consequence: missense variant.
Genome position (GRCh38, 1-based): chr9:136,439,209, C>T on the plus strand (G>A on the coding strand, the complement: INPP5E is on the minus strand). VCF-style: chr9-136439209-C-T. GRCh37 (hg19) VCF-style: chr9-139333661-C-T.
Other names: c.211G>A (NM_019892.5); c.211G>A, p.Ala71Thr (NM_001318502.2); short protein forms A71T.
Identifiers: ClinVar variation 960860 (VCV000960860.8), dbSNP rs1835927935, ClinGen allele CA375570603.

ClinVar aggregate classification (germline): Uncertain significance. Review status: criteria provided, multiple submitters, no conflicts (2 of 4 stars). 2 submissions from 2 submitters: Uncertain significance (2). Last evaluated 2025-01-11.

Conditions:
INPP5E-related disorder. Also called: INPP5E-related condition.
Joubert syndrome. Also called: Familial aplasia of the vermis; JOUBERT-BOLTSHAUSER SYNDROME. Identifiers: Orphanet 475, MedGen C5979921, MONDO:0018772.

Allele frequency attached by ClinVar (database versions not stated): gnomAD 0.00001.

Submissions (2):

PreventionGenetics, part of Exact Sciences
Classification: Uncertain significance for INPP5E-related condition. Last evaluated: 2025-01-11. Review status: criteria provided, single submitter. Criteria: ACMG Guidelines, 2015. Collection method: clinical testing. Allele origin: germline.
Comment: The INPP5E c.211G>A variant is predicted to result in the amino acid substitution p.Ala71Thr. To our knowledge, this variant has not been reported in the literature or in a large population database (gnomAD), indicating this variant is rare. At this time, the clinical significance of this variant is uncertain due to the absence of conclusive functional and genetic evidence.

Labcorp Genetics (formerly Invitae), Labcorp
Classification: Uncertain significance for Joubert syndrome. Last evaluated: 2022-08-01. Review status: criteria provided, single submitter. Criteria: Invitae Variant Classification Sherloc (09022015). Collection method: clinical testing. Allele origin: germline.
Comment: This sequence change replaces alanine, which is neutral and non-polar, with threonine, which is neutral and polar, at codon 71 of the INPP5E protein (p.Ala71Thr). This variant is not present in population databases (gnomAD no frequency). This variant has not been reported in the literature in individuals affected with INPP5E-related conditions. ClinVar contains an entry for this variant (Variation ID: 960860). Advanced modeling of protein sequence and biophysical properties (such as structural, functional, and spatial information, amino acid conservation, physicochemical variation, residue mobility, and thermodynamic stability) performed at Invitae indicates that this missense variant is not expected to disrupt INPP5E protein function. In summary, the available evidence is currently insufficient to determine the role of this variant in disease. Therefore, it has been classified as a Variant of Uncertain Significance.